The following is an entry in ClinVar:

NM_001195263.2(PDZD7):c.1019G>A (p.Gly340Asp)

Gene: PDZD7 (PDZ domain containing 7; minus strand). Cytogenetic location: 10q24.31.
Variant type: single nucleotide variant.
Coding change: c.1019G>A on transcript NM_001195263.2 (MANE Select); coding-DNA position 1019, G replaced by A.
Protein change: p.Gly340Asp; replaces glycine 340 with aspartic acid.
Molecular consequence: missense variant.
Genome position (GRCh38, 1-based): chr10:101,019,127, C>T on the plus strand (G>A on the coding strand, the complement: PDZD7 is on the minus strand). VCF-style: chr10-101019127-C-T. GRCh37 (hg19) VCF-style: chr10-102778884-C-T.
Other names: c.1019G>A, p.Gly340Asp (NM_001351044.2, NM_024895.5); c.1019G>A (NM_001195263.1); short protein forms G340D.
Identifiers: ClinVar variation 1966271 (VCV001966271.6), dbSNP rs1401905286, ClinGen allele CA378228906.

ClinVar aggregate classification (germline): Uncertain significance. Review status: criteria provided, multiple submitters, no conflicts (2 of 4 stars). 2 submissions from 2 submitters: Uncertain significance (2). Last evaluated 2024-10-30.

gnomAD v4.1: 1 of 1,547,984 alleles (0.000065%); highest among the groups gnomAD compares: Admixed American, 0.0019%; no homozygotes.

Submissions (2):

GeneDx
Classification: Uncertain significance. Last evaluated: 2024-10-30. Review status: criteria provided, single submitter. Criteria: GeneDx Variant Classification Process June 2021. Collection method: clinical testing. Allele origin: germline. Affected: yes.
Comment: Not observed at significant frequency in large population cohorts (gnomAD); In silico analysis indicates that this missense variant does not alter protein structure/function; Has not been previously published as pathogenic or benign to our knowledge

Labcorp Genetics (formerly Invitae), Labcorp
Classification: Uncertain significance. Last evaluated: 2022-02-01. Review status: criteria provided, single submitter. Criteria: Invitae Variant Classification Sherloc (09022015). Collection method: clinical testing. Allele origin: germline.
Comment: In summary, the available evidence is currently insufficient to determine the role of this variant in disease. Therefore, it has been classified as a Variant of Uncertain Significance. Algorithms developed to predict the effect of missense changes on protein structure and function output the following: SIFT: "Tolerated"; PolyPhen-2: "Not Available"; Align-GVGD: "Class C0". The aspartic acid amino acid residue is found in multiple mammalian species, which suggests that this missense change does not adversely affect protein function. This variant has not been reported in the literature in individuals affected with PDZD7-related conditions. This variant is not present in population databases (gnomAD no frequency). This sequence change replaces glycine, which is neutral and non-polar, with aspartic acid, which is acidic and polar, at codon 340 of the PDZD7 protein (p.Gly340Asp).